The following is an entry in ClinVar:

NM_001927.4(DES):c.526G>A (p.Val176Ile)

Gene: DES (desmin; plus strand). Cytogenetic location: 2q35.
Variant type: single nucleotide variant.
Coding change: c.526G>A on transcript NM_001927.4 (MANE Select); coding-DNA position 526, G replaced by A.
Protein change: p.Val176Ile; replaces valine 176 with isoleucine.
Molecular consequence: missense variant. On other transcripts: intron variant (1).
Genome position (GRCh38, 1-based): chr2:219,418,988, G>A. VCF-style: chr2-219418988-G-A. GRCh37 (hg19) VCF-style: chr2-220283710-G-A.
Other names: c.526G>A, p.Val176Ile (NM_001382708.1, NM_001382709.1, NM_001382710.1 and 2 more transcripts); c.495+31G>A (NM_001382713.1); short protein forms V176I.
Identifiers: ClinVar variation 4239715 (VCV004239715.1).
Genomic context (GRCh38, chr2:219,418,988, plus strand): 5'-GAGGAGGAGCTGCGGGAGCTGCGGCGCCAGGTGGAGGTGCTCACTAACCAGCGCGCGCGC[G>A]TCGACGTCGAGCGCGACAACCTGCTCGACGACCTGCAGCGGCTCAAGGCCAAGTGAGGGC-3'
Protein context (NP_001918.3, residues 166-186): VEVLTNQRAR[Val176Ile]DVERDNLLDD

ClinVar aggregate classification (germline): Uncertain significance (1 of 4 stars; one submission).

Conditions:
Cardiovascular phenotype. Identifiers: MedGen CN230736.

gnomAD v4.1: 21 of 1,550,808 alleles (0.0014%); highest among the groups gnomAD compares: East Asian, 0.0024%; 1 homozygote.

Submission:

Ambry Genetics
Classification: Uncertain significance for Cardiovascular phenotype. Last evaluated: 2025-06-17. Review status: criteria provided, single submitter. Criteria: Ambry Variant Classification Scheme 2023. Collection method: clinical testing. Allele origin: germline.
Comment: The p.V176I variant (also known as c.526G>A), located in coding exon 1 of the DES gene, results from a G to A substitution at nucleotide position 526. The valine at codon 176 is replaced by isoleucine, an amino acid with highly similar properties. This amino acid position is conserved. In addition, the in silico prediction for this alteration is inconclusive. Based on the available evidence, the clinical significance of this variant remains unclear.